The following is an entry in ClinVar:

ClinVar aggregate classification (germline): Uncertain significance. Review status: criteria provided, multiple submitters, no conflicts (2 of 4 stars). 3 submissions from 3 submitters: Uncertain significance (2). 1 of the submissions does not count toward it. Last evaluated 2025-09-20.

Conditions:
Noonan syndrome (NS). Also called: Noonan's syndrome. Identifiers: Orphanet 648, MedGen C0028326, MeSH D009634, MONDO:0018997. Disease mechanism: gain of function.
RASopathy. Also called: Noonan spectrum disorder; rasopathies. Identifiers: Orphanet 536391, MedGen C5555857, MONDO:0021060.

Allele frequency attached by ClinVar (database versions not stated): gnomAD exomes below 0.00001.

Submissions (3):

Labcorp Genetics (formerly Invitae), Labcorp
Classification: Uncertain significance for RASopathy. Last evaluated: 2025-09-20. Review status: criteria provided, single submitter. Criteria: Invitae Variant Classification Sherloc (09022015). Collection method: clinical testing. Allele origin: germline.
Comment: This sequence change replaces proline, which is neutral and non-polar, with alanine, which is neutral and non-polar, at codon 109 of the MAP2K2 protein (p.Pro109Ala). This variant is present in population databases (no rsID available, gnomAD 0.0009%). This variant has not been reported in the literature in individuals affected with MAP2K2-related conditions. ClinVar contains an entry for this variant (Variation ID: 410630). Invitae Evidence Modeling incorporating data from in vitro experimental studies (internal data) indicates that this missense variant is not expected to disrupt MAP2K2 function with a negative predictive value of 95%. In summary, the available evidence is currently insufficient to determine the role of this variant in disease. Therefore, it has been classified as a Variant of Uncertain Significance.

GeneDx
Classification: Uncertain significance. Last evaluated: 2024-11-20. Review status: criteria provided, single submitter. Criteria: GeneDx Variant Classification Process June 2021. Collection method: clinical testing. Allele origin: germline. Affected: yes.
Comment: In silico analysis supports that this missense variant has a deleterious effect on protein structure/function; Missense variants in this gene are a common cause of disease and they are underrepresented in the general population; Has not been previously published as pathogenic or benign to our knowledge

Service de Génétique Moléculaire, Hôpital Robert Debré
Classification: Likely benign for Noonan syndrome. Review status: no assertion criteria provided. Collection method: clinical testing. Allele origin: maternal. Affected: yes. Not counted in ClinVar's aggregate classification.

NM_030662.4(MAP2K2):c.325C>G (p.Pro109Ala)

Gene: MAP2K2 (mitogen-activated protein kinase kinase 2; minus strand). Cytogenetic location: 19p13.3.
Variant type: single nucleotide variant.
Coding change: c.325C>G on transcript NM_030662.4 (MANE Select); coding-DNA position 325, C replaced by G.
Protein change: p.Pro109Ala; replaces proline 109 with alanine.
Molecular consequence: missense variant.
Genome position (GRCh38, 1-based): chr19:4,110,634, G>C on the plus strand (C>G on the coding strand, the complement: MAP2K2 is on the minus strand). VCF-style: chr19-4110634-G-C. GRCh37 (hg19) VCF-style: chr19-4110632-G-C.
Other names: short protein forms P109A.
Identifiers: ClinVar variation 410630 (VCV000410630.10), dbSNP rs1060502983, ClinGen allele CA16616268.